The following is an entry in ClinVar:

NM_024529.5(CDC73):c.17G>T (p.Ser6Ile)

Gene: CDC73 (cell division cycle 73; plus strand). Cytogenetic location: 1q31.2.
Variant type: single nucleotide variant.
Coding change: c.17G>T on transcript NM_024529.5 (MANE Select); coding-DNA position 17, G replaced by T.
Protein change: p.Ser6Ile; replaces serine 6 with isoleucine.
Molecular consequence: missense variant.
Genome position (GRCh38, 1-based): chr1:193,122,217, G>T. VCF-style: chr1-193122217-G-T. GRCh37 (hg19) VCF-style: chr1-193091347-G-T.
Other names: short protein forms S6I.
Identifiers: ClinVar variation 2197389 (VCV002197389.7), dbSNP rs775940851, ClinGen allele CA343972756.

ClinVar aggregate classification (germline): Uncertain significance. Review status: criteria provided, multiple submitters, no conflicts (2 of 4 stars). 2 submissions from 2 submitters: Uncertain significance (2). Last evaluated 2025-05-28.

Conditions:
Parathyroid carcinoma (PRTC). Also called: Parathyroid gland carcinoma; CDC73-Related Parathyroid Carcinoma. Identifiers: Orphanet 143, MedGen C0687150, MONDO:0012004, OMIM 608266, HP:0006780.
Hereditary cancer-predisposing syndrome. Also called: Hereditary neoplastic syndrome; Neoplastic Syndromes, Hereditary; Hereditary Cancer Syndrome; Tumor predisposition. Identifiers: Orphanet 140162, MedGen C0027672, MeSH D009386, MONDO:0015356.

Submissions (2):

Ambry Genetics
Classification: Uncertain significance for Hereditary cancer-predisposing syndrome. Last evaluated: 2025-05-28. Review status: criteria provided, single submitter. Criteria: Ambry Variant Classification Scheme 2023. Collection method: clinical testing. Allele origin: germline.
Comment: The p.S6I variant (also known as c.17G>T), located in coding exon 1 of the CDC73 gene, results from a G to T substitution at nucleotide position 17. The serine at codon 6 is replaced by isoleucine, an amino acid with dissimilar properties. This amino acid position is highly conserved in available vertebrate species. In addition, this alteration is predicted to be deleterious by in silico analysis. Based on the available evidence, the clinical significance of this variant remains unclear.

Labcorp Genetics (formerly Invitae), Labcorp
Classification: Uncertain significance for Parathyroid carcinoma. Last evaluated: 2021-12-20. Review status: criteria provided, single submitter. Criteria: Invitae Variant Classification Sherloc (09022015). Collection method: clinical testing. Allele origin: germline.
Comment: This variant has not been reported in the literature in individuals affected with CDC73-related conditions. In summary, the available evidence is currently insufficient to determine the role of this variant in disease. Therefore, it has been classified as a Variant of Uncertain Significance. Algorithms developed to predict the effect of missense changes on protein structure and function (SIFT, PolyPhen-2, Align-GVGD) all suggest that this variant is likely to be tolerated. This variant is not present in population databases (gnomAD no frequency). This sequence change replaces serine, which is neutral and polar, with isoleucine, which is neutral and non-polar, at codon 6 of the CDC73 protein (p.Ser6Ile).